The following is an entry in ClinVar:

ClinVar aggregate classification (germline): Uncertain significance (1 of 4 stars; one submission).

gnomAD v4.1: 1 of 1,614,232 alleles (0.000062%); highest among the groups gnomAD compares: Non-Finnish European, 0.000085%; no homozygotes.

Submission:

Ambry Genetics
Classification: Uncertain significance. Last evaluated: 2025-05-27. Review status: criteria provided, single submitter. Criteria: Ambry Variant Classification Scheme 2023. Collection method: clinical testing. Allele origin: germline.
Comment: The p.R1374G variant (also known as c.4120A>G), located in coding exon 14 of the CDK12 gene, results from an A to G substitution at nucleotide position 4120. The arginine at codon 1374 is replaced by glycine, an amino acid with dissimilar properties. This amino acid position is conserved. In addition, this alteration is predicted to be deleterious by in silico analysis. Based on the available evidence, the clinical significance of this variant remains unclear.

NM_016507.4(CDK12):c.4120A>G (p.Arg1374Gly)

Gene: CDK12 (cyclin dependent kinase 12; plus strand). Cytogenetic location: 17q12.
Variant type: single nucleotide variant.
Coding change: c.4120A>G on transcript NM_016507.4 (MANE Select); coding-DNA position 4120, A replaced by G.
Protein change: p.Arg1374Gly; replaces arginine 1374 with glycine.
Molecular consequence: missense variant.
Genome position (GRCh38, 1-based): chr17:39,530,963, A>G. VCF-style: chr17-39530963-A-G. GRCh37 (hg19) VCF-style: chr17-37687216-A-G.
Other names: c.4093A>G, p.Arg1365Gly (NM_015083.4); short protein forms R1365G, R1374G.
Identifiers: ClinVar variation 3999502 (VCV003999502.1).